The following is an entry in ClinVar:

ClinVar aggregate classification (germline): Uncertain significance (1 of 4 stars; one submission).

Conditions:
Pyruvate carboxylase deficiency. Also called: PC DEFICIENCY; ATAXIA WITH LACTIC ACIDOSIS II; LEIGH NECROTIZING ENCEPHALOPATHY DUE TO PYRUVATE CARBOXYLASE DEFICIENCY; LEIGH SYNDROME DUE TO PYRUVATE CARBOXYLASE DEFICIENCY; Pyruvate Carboxylase Deficiency Disease. Identifiers: Orphanet 3008, MedGen C0034341, MONDO:0009949, OMIM 266150.

Submission:

Myriad Genetics, Inc.
Classification: Uncertain significance for Pyruvate carboxylase deficiency. Last evaluated: 2025-11-18. Review status: criteria provided, single submitter. Criteria: Myriad Autosomal Dominant, Autosomal Recessive and X-Linked Classification Criteria (2023). Collection method: clinical testing. Allele origin: unknown.
Comment: NM_000920.3(PC):c.2429T>C(M810T) is a missense variant classified as a variant of uncertain significance in the context of pyruvate carboxylase deficiency. M810T has been observed in a case with relevant disease (PMID: 37207470). Relevant functional assessments of this variant are not available in the literature. M810T has not been observed in referenced population frequency databases. In summary, there is insufficient evidence to classify NM_000920.3(PC):c.2429T>C(M810T) as pathogenic or benign. Please note: this variant was assessed in the context of healthy population screening.

Literature cited by the submitters: PubMed 37207470.

NM_001040716.2(PC):c.2429T>C (p.Met810Thr)

Gene: PC (pyruvate carboxylase; minus strand). Cytogenetic location: 11q13.2.
Variant type: single nucleotide variant.
Coding change: c.2429T>C on transcript NM_001040716.2 (MANE Select); coding-DNA position 2429, T replaced by C.
Protein change: p.Met810Thr; replaces methionine 810 with threonine.
Molecular consequence: missense variant.
Genome position (GRCh38, 1-based): chr11:66,850,718, A>G on the plus strand (T>C on the coding strand, the complement: PC is on the minus strand). VCF-style: chr11-66850718-A-G. GRCh37 (hg19) VCF-style: chr11-66618189-A-G.
Other names: c.2429T>C, p.Met810Thr (NM_000920.4, NM_001439352.1, NM_001439353.1 and 5 more transcripts); short protein forms M810T.
Identifiers: ClinVar variation 5003713 (VCV005003713.1).